The following is an entry in ClinVar:

ClinVar aggregate classification (germline): Uncertain significance (1 of 4 stars; one submission).

Conditions:
DICER1-related tumor predisposition. Also called: DICER1 syndrome; DICER1-related pleuropulmonary blastoma cancer predisposition syndrome. Identifiers: Orphanet 284343, MedGen C3839822, MONDO:0100216.

Submission:

Labcorp Genetics (formerly Invitae), Labcorp
Classification: Uncertain significance for DICER1-related tumor predisposition. Last evaluated: 2024-04-30. Review status: criteria provided, single submitter. Criteria: Invitae Variant Classification Sherloc (09022015). Collection method: clinical testing. Allele origin: germline.
Comment: This sequence change replaces lysine, which is basic and polar, with arginine, which is basic and polar, at codon 1844 of the DICER1 protein (p.Lys1844Arg). This variant is not present in population databases (gnomAD no frequency). This variant has not been reported in the literature in individuals affected with DICER1-related conditions. An algorithm developed to predict the effect of missense changes on protein structure and function (PolyPhen-2) suggests that this variant is likely to be tolerated. In summary, the available evidence is currently insufficient to determine the role of this variant in disease. Therefore, it has been classified as a Variant of Uncertain Significance.

NM_177438.3(DICER1):c.5531A>G (p.Lys1844Arg)

Gene: DICER1 (dicer 1, ribonuclease III; minus strand). Cytogenetic location: 14q32.13.
Variant type: single nucleotide variant.
Coding change: c.5531A>G on transcript NM_177438.3 (MANE Select); coding-DNA position 5531, A replaced by G.
Protein change: p.Lys1844Arg; replaces lysine 1844 with arginine.
Molecular consequence: missense variant. On other transcripts: non-coding transcript variant (6).
Genome position (GRCh38, 1-based): chr14:95,091,106, T>C on the plus strand (A>G on the coding strand, the complement: DICER1 is on the minus strand). VCF-style: chr14-95091106-T-C. GRCh37 (hg19) VCF-style: chr14-95557443-T-C.
Other names: c.5368A>G, p.Ser1790Gly (NM_001195573.1); c.5531A>G, p.Lys1844Arg (NM_001271282.3, NM_001291628.2, NM_001395677.1 and 7 more transcripts); c.5249A>G, p.Lys1750Arg (NM_001395686.1); c.5126A>G, p.Lys1709Arg (NM_001395687.1, NM_001395688.1, NM_001395689.1 and 1 more transcripts); c.4964A>G, p.Lys1655Arg (NM_001395691.1); c.3848A>G, p.Lys1283Arg (NM_001395697.1); short protein forms K1283R, K1750R, K1844R, K1709R, S1790G, K1655R.
Identifiers: ClinVar variation 3651618 (VCV003651618.2).